The following is an entry in ClinVar:

ClinVar aggregate classification (germline): Uncertain significance (1 of 4 stars; one submission).

Allele frequency attached by ClinVar (database versions not stated): gnomAD exomes below 0.00001.
gnomAD v4.1: 3 of 1,614,064 alleles (0.00019%); highest among the groups gnomAD compares: East Asian, 0.0022%; no homozygotes.

Submission:

CeGaT Center for Human Genetics Tuebingen
Classification: Uncertain significance. Last evaluated: 2023-10-01. Review status: criteria provided, single submitter. Criteria: CeGaT Center For Human Genetics Tuebingen Variant Classification Criteria Version 2. Collection method: clinical testing. Allele origin: germline. Affected: yes. Observed: 1 variant allele.
Comment: DNAJC5: PM2:Supporting

NM_025219.3(DNAJC5):c.91A>G (p.Ile31Val)

Gene: DNAJC5 (DnaJ heat shock protein family (Hsp40) member C5; plus strand). Cytogenetic location: 20q13.33.
Variant type: single nucleotide variant.
Coding change: c.91A>G on transcript NM_025219.3 (MANE Select); coding-DNA position 91, A replaced by G.
Protein change: p.Ile31Val; replaces isoleucine 31 with valine.
Molecular consequence: missense variant.
Genome position (GRCh38, 1-based): chr20:63,928,436, A>G. VCF-style: chr20-63928436-A-G. GRCh37 (hg19) VCF-style: chr20-62559789-A-G.
Other names: short protein forms I31V.
Identifiers: ClinVar variation 2652562 (VCV002652562.24), dbSNP rs1466155993, ClinGen allele CA409715575.